The following is an entry in ClinVar:

NM_014550.4(CARD10):c.2820C>T (p.Ile940=)

Gene: CARD10 (caspase recruitment domain family member 10; minus strand). Cytogenetic location: 22q13.1.
Variant type: single nucleotide variant.
Coding change: c.2820C>T on transcript NM_014550.4 (MANE Select); coding-DNA position 2820, C replaced by T.
Protein change: p.Ile940=; no amino-acid change (isoleucine 940 retained).
Molecular consequence: synonymous variant.
Genome position (GRCh38, 1-based): chr22:37,491,799, G>A on the plus strand (C>T on the coding strand, the complement: CARD10 is on the minus strand). VCF-style: chr22-37491799-G-A. GRCh37 (hg19) VCF-style: chr22-37887806-G-A.
Identifiers: ClinVar variation 716133 (VCV000716133.9), dbSNP rs55875977, ClinGen allele CA10219344.

ClinVar aggregate classification (germline): Benign/Likely benign. Review status: criteria provided, multiple submitters, no conflicts (2 of 4 stars). 4 submissions from 4 submitters: Benign (2); Likely benign (1). 1 of the submissions does not count toward it. Last evaluated 2026-04-01.

Conditions:
CARD10-related disorder. Also called: CARD10-related condition.

Allele frequency attached by ClinVar (database versions not stated): 1000 Genomes Project 0.00240; 1000 Genomes Project 30x 0.00265; TOPMed 0.00524; ESP Exome Variant Server 0.00692; ExAC 0.00794; gnomAD exomes 0.00805; gnomAD 0.00980.
gnomAD v4.1: 13,508 of 1,465,622 alleles (0.92%); highest among the groups gnomAD compares: Middle Eastern, 0.95%; 98 homozygotes.

Submissions (4):

CeGaT Center for Human Genetics Tuebingen
Classification: Likely benign. Last evaluated: 2026-04-01. Review status: criteria provided, single submitter. Criteria: CeGaT Center For Human Genetics Tuebingen Variant Classification Criteria Version 2. Collection method: clinical testing. Allele origin: germline. Affected: yes. Observed: 1 variant allele.
Comment: CARD10: BP4, BP7, BS2

Labcorp Genetics (formerly Invitae), Labcorp
Classification: Benign. Last evaluated: 2019-12-31. Review status: criteria provided, single submitter. Criteria: Invitae Variant Classification Sherloc (09022015). Collection method: clinical testing. Allele origin: germline.

Breakthrough Genomics
Classification: Benign. Review status: criteria provided, single submitter. Criteria: ACMG Guidelines, 2015. Collection method: not provided. Allele origin: germline. Inheritance: Autosomal recessive inheritance. Affected: yes.

PreventionGenetics, part of Exact Sciences
Classification: Likely benign for CARD10-related condition. Last evaluated: 2019-04-04. Review status: no assertion criteria provided. Collection method: clinical testing. Allele origin: germline. Not counted in ClinVar's aggregate classification.
Comment: This variant is classified as likely benign based on ACMG/AMP sequence variant interpretation guidelines (Richards et al. 2015 PMID: 25741868, with internal and published modifications).